The following is an entry in ClinVar:

ClinVar aggregate classification (germline): Uncertain significance (1 of 4 stars; one submission).

Conditions:
Spinocerebellar ataxia type 5 (SCA5). Identifiers: Orphanet 98766, MedGen C0752123, MONDO:0010848, OMIM 600224.

Submission:

Neuberg Centre For Genomic Medicine, NCGM
Classification: Uncertain significance for Spinocerebellar ataxia type 5. Last evaluated: 2023-07-22. Review status: criteria provided, single submitter. Criteria: ACMG Guidelines, 2015. Collection method: clinical testing. Allele origin: germline. Inheritance: Autosomal dominant inheritance. Affected: yes.
Comment: The missense c.542C>Ap.Ala181Asp variant in the SPTBN2 gene has not been reported previously as a pathogenic variant nor as a benign variant, to our knowledge. This variant is absent in the gnomAD Exomes. The amino acid Alanine at position 181 is changed to a Aspartic acid changing protein sequence and it might alter its composition and physico-chemical properties. Multiple lines of computational evidence Polyphen - Probably damaging, SIFT – Damaging and MutationTaster - Disease causing predict a damaging effect on protein structure and function for this variant.The amino acid Alanine in SPTBN2 is predicted as conserved by GERP++ and PhyloP across 100 vertebrates. For these reasons, this variant has been classified as Uncertain Significance.

NM_006946.4(SPTBN2):c.542C>A (p.Ala181Asp)

Gene: SPTBN2 (spectrin beta, non-erythrocytic 2; minus strand). Cytogenetic location: 11q13.2.
Variant type: single nucleotide variant.
Coding change: c.542C>A on transcript NM_006946.4 (MANE Select); coding-DNA position 542, C replaced by A.
Protein change: p.Ala181Asp; replaces alanine 181 with aspartic acid.
Molecular consequence: missense variant.
Genome position (GRCh38, 1-based): chr11:66,714,349, G>T on the plus strand (C>A on the coding strand, the complement: SPTBN2 is on the minus strand). VCF-style: chr11-66714349-G-T. GRCh37 (hg19) VCF-style: chr11-66481820-G-T.
Other names: c.563C>A, p.Ala188Asp (NM_001411025.1); short protein forms A181D, A188D.
Identifiers: ClinVar variation 3391240 (VCV003391240.1).
Genomic context (GRCh38, chr11:66,714,349, plus strand): 5'-AGTGCCACACGCCCAGGGTGTCCTCACCCTGCAGTCTTCATCTGGCACCACAGAAGCAGG[G>T]CATCCTTGGCTGACTTCTTCTCCTTGTTGTCTTCTGTCTCCACACTGATGTCTTGGATCT-3'
Protein context (NP_008877.2, residues 171-191): DNKEKKSAKD[Ala181Asp]LLLWCQMKTA